The following is an entry in ClinVar:

ClinVar aggregate classification (germline): Uncertain significance (1 of 4 stars; one submission).

Conditions:
Gorlin syndrome. Also called: Basal cell nevus syndrome; Nevoid Basal Cell Carcinoma Syndrome. Identifiers: Orphanet 377, MedGen C0004779, MONDO:0007187.

Submission:

Labcorp Genetics (formerly Invitae), Labcorp
Classification: Uncertain significance for Gorlin syndrome. Last evaluated: 2025-08-15. Review status: criteria provided, single submitter. Criteria: Invitae Variant Classification Sherloc (09022015). Collection method: clinical testing. Allele origin: germline.
Comment: This sequence change replaces methionine, which is neutral and non-polar, with leucine, which is neutral and non-polar, at codon 858 of the PTCH2 protein (p.Met858Leu). This variant is present in population databases (rs374498312, gnomAD 0.01%). This variant has not been reported in the literature in individuals affected with PTCH2-related conditions. ClinVar contains an entry for this variant (Variation ID: 1355625). Invitae Evidence Modeling of protein sequence and biophysical properties (such as structural, functional, and spatial information, amino acid conservation, physicochemical variation, residue mobility, and thermodynamic stability) indicates that this missense variant is not expected to disrupt PTCH2 protein function with a negative predictive value of 80%. In summary, the available evidence is currently insufficient to determine the role of this variant in disease. Therefore, it has been classified as a Variant of Uncertain Significance.

NM_003738.5(PTCH2):c.2572A>T (p.Met858Leu)

Gene: PTCH2 (patched 2; minus strand). Cytogenetic location: 1p34.1.
Variant type: single nucleotide variant.
Coding change: c.2572A>T on transcript NM_003738.5 (MANE Select); coding-DNA position 2572, A replaced by T.
Protein change: p.Met858Leu; replaces methionine 858 with leucine.
Molecular consequence: missense variant.
Genome position (GRCh38, 1-based): chr1:44,827,025, T>A on the plus strand (A>T on the coding strand, the complement: PTCH2 is on the minus strand). VCF-style: chr1-44827025-T-A. GRCh37 (hg19) VCF-style: chr1-45292697-T-A.
Other names: c.2572A>T, p.Met858Leu (NM_001166292.2); short protein forms M858L.
Identifiers: ClinVar variation 1355625 (VCV001355625.8), dbSNP rs374498312, ClinGen allele CA822962.
Genomic context (GRCh38, chr1:44,827,025, plus strand): 5'-AGTTGGCCTGTGAGGCTGCCAGACCCAGGGGGTCACTGCTCACCCACACGGTCAGCCCCA[T>A]GTAGAAGAGCTCGGGTGGAATCAGTCCCTCTCTGTCCACCAGCTTCCTTGTGGTCAGCTG-3'
Protein context (NP_003729.3, residues 848-868): EGLIPPELFY[Met858Leu]GLTVWVSSDP